The following is an entry in ClinVar:

ClinVar aggregate classification (germline): Likely pathogenic (1 of 4 stars; one submission).

Submission:

Dasa
Classification: Likely pathogenic. Last evaluated: 2024-12-01. Review status: criteria provided, single submitter. Criteria: DASA Assertion Criteria. Collection method: clinical testing. Allele origin: germline.
Comment: NM_006420.3(ARFGEF2):c.4896C>G (p.Tyr1632*) is a nonsense variant in ARFGEF2 predicted to introduce a premature termination codon and is predicted to result in an absent or altered protein product. Loss of function is an established disease mechanism for ARFGEF2-associated disorders. Also, this variant is absent from population databases. Based on the currently available evidence, this variant is classified as likely pathogenic.

NM_006420.3(ARFGEF2):c.4896C>G (p.Tyr1632Ter)

Gene: ARFGEF2 (ARF guanine nucleotide exchange factor 2; plus strand). Cytogenetic location: 20q13.13.
Variant type: single nucleotide variant.
Coding change: c.4896C>G on transcript NM_006420.3 (MANE Select); coding-DNA position 4896, C replaced by G.
Protein change: p.Tyr1632Ter; replaces tyrosine 1632 with a stop codon.
Molecular consequence: nonsense.
Genome position (GRCh38, 1-based): chr20:49,025,453, C>G. VCF-style: chr20-49025453-C-G. GRCh37 (hg19) VCF-style: chr20-47641990-C-G.
Other names: c.4893C>G, p.Tyr1631Ter (NM_001410846.1); short protein forms Y1631*, Y1632*.
Identifiers: ClinVar variation 4886420 (VCV004886420.2).
Genomic context (GRCh38, chr20:49,025,453, plus strand): 5'-CAAGCTGTTGGACTGTTTGCAGGAATCCCATTCATTCTCAAAGGCCTTCAACTCCAATTA[C>G]GAGCAGCGGACTGTCCTGTGGCGAGCAGGTAAGGCCACACAGCAGATAAGATAGATGGCC-3'